The following is an entry in ClinVar:

ClinVar aggregate classification (germline): Pathogenic (1 of 4 stars; one submission).

Conditions:
Kabuki syndrome. Also called: NIIKAWA-KUROKI SYNDROME; Kabuki make-up syndrome. Identifiers: Orphanet 2322, MedGen C0796004, MONDO:0016512.

Submission:

Labcorp Genetics (formerly Invitae), Labcorp
Classification: Pathogenic for Kabuki syndrome. Last evaluated: 2020-03-17. Review status: criteria provided, single submitter. Criteria: Invitae Variant Classification Sherloc (09022015). Collection method: clinical testing. Allele origin: germline.
Comment: This sequence change affects an acceptor splice site in intron 48 of the KMT2D gene. It is expected to disrupt RNA splicing and likely results in an absent or disrupted protein product. This variant is not present in population databases (ExAC no frequency). This variant has been observed in individual(s) with clinical features of Kabuki syndrome (PMID: 21671394, Invitae). Algorithms developed to predict the effect of sequence changes on RNA splicing suggest that this variant may disrupt the consensus splice site, but this prediction has not been confirmed by published transcriptional studies. Donor and acceptor splice site variants typically lead to a loss of protein function (PMID: 16199547), and loss-of-function variants in KMT2D are known to be pathogenic (PMID: 22126750). For these reasons, this variant has been classified as Pathogenic.

Literature cited by the submitters: PubMed 21671394; PubMed 16199547; PubMed 22126750.

NM_003482.4(KMT2D):c.15785-1G>C

Gene: KMT2D (lysine methyltransferase 2D; minus strand). Cytogenetic location: 12q13.12.
Variant type: single nucleotide variant.
Coding change: c.15785-1G>C on transcript NM_003482.4 (MANE Select); the canonical splice acceptor site of the intron before coding-DNA position 15785, G replaced by C.
Molecular consequence: splice acceptor variant.
Genome position (GRCh38, 1-based): chr12:49,024,947, C>G on the plus strand (G>C on the coding strand, the complement: KMT2D is on the minus strand). VCF-style: chr12-49024947-C-G. GRCh37 (hg19) VCF-style: chr12-49418730-C-G.
Identifiers: ClinVar variation 1074470 (VCV001074470.9), dbSNP rs2137712168, ClinGen allele CA384683552.
Genomic context (GRCh38, chr12:49,024,947, plus strand): 5'-GCAGCATGTCAGCCTCTTTTCTCATGGCAGCCACAGGCTCAATGATGCGATTCCACACGG[C>G]TAAGAAGCAGGGAAGAGAGCAGTCCTCAGAGGCAACTTCTGCTCACTGACCTCCAGTCCC-3'